The following is an entry in ClinVar:

NM_001365276.2(TNXB):c.2372G>T (p.Ser791Ile)

Gene: TNXB (tenascin XB; minus strand). Cytogenetic location: 6p21.33.
Variant type: single nucleotide variant.
Coding change: c.2372G>T on transcript NM_001365276.2 (MANE Select); coding-DNA position 2372, G replaced by T.
Protein change: p.Ser791Ile; replaces serine 791 with isoleucine.
Molecular consequence: missense variant.
Genome position (GRCh38, 1-based): chr6:32,089,366, C>A on the plus strand (G>T on the coding strand, the complement: TNXB is on the minus strand). VCF-style: chr6-32089366-C-A. GRCh37 (hg19) VCF-style: chr6-32057143-C-A.
Other names: c.2372G>T, p.Ser791Ile (NM_001428335.1, NM_019105.8); short protein forms S791I.
Identifiers: ClinVar variation 4849038 (VCV004849038.1).

ClinVar aggregate classification (germline): Uncertain significance (1 of 4 stars; one submission).

Submission:

Women's Health and Genetics/Laboratory Corporation of America, LabCorp
Classification: Uncertain significance. Last evaluated: 2026-04-27. Review status: criteria provided, single submitter. Criteria: LabCorp Variant Classification Summary - May 2015. Collection method: clinical testing. Allele origin: germline.
Comment: Variant summary: TNXB c.2372G>T (p.Ser791Ile) results in a non-conservative amino acid change in the encoded protein sequence. Algorithms developed to predict the effect of missense changes on protein structure and function are either unavailable or do not agree on the potential impact of this missense change. The variant was absent in 244204 control chromosomes. The available data on variant occurrences in the general population are insufficient to allow any conclusion about variant significance. To our knowledge, no occurrence of c.2372G>T in individuals affected with TNXB-related conditions and no experimental evidence demonstrating its impact on protein function have been reported. No submitters have cited clinical-significance assessments for this variant to ClinVar. Based on the evidence outlined above, the variant was classified as uncertain significance.